The following is an entry in ClinVar:

NM_024675.4(PALB2):c.2053A>T (p.Lys685Ter)

Gene: PALB2 (partner and localizer of BRCA2; minus strand). Cytogenetic location: 16p12.2.
Variant type: single nucleotide variant.
Coding change: c.2053A>T on transcript NM_024675.4 (MANE Select); coding-DNA position 2053, A replaced by T.
Protein change: p.Lys685Ter; replaces lysine 685 with a stop codon.
Molecular consequence: nonsense. On other transcripts: intron variant (1).
Genome position (GRCh38, 1-based): chr16:23,630,101, T>A on the plus strand (A>T on the coding strand, the complement: PALB2 is on the minus strand). VCF-style: chr16-23630101-T-A. GRCh37 (hg19) VCF-style: chr16-23641422-T-A.
Other names: c.1168A>T, p.Lys390Ter (NM_001407306.1, NM_001407307.1, NM_001407308.1 and 5 more transcripts); c.265A>T, p.Lys89Ter (NM_001407312.1, NM_001407313.1); c.1993A>T, p.Lys665Ter (NM_001407296.1); c.2053A>T, p.Lys685Ter (NM_001407297.1, NM_001407298.1, NM_001407299.1 and 3 more transcripts); c.49-826A>T (NM_001407314.1); short protein forms K390*, K665*, K685*, K89*.
Identifiers: ClinVar variation 3344550 (VCV003344550.1).

ClinVar aggregate classification (germline): Likely pathogenic (0 of 4 stars; one submission).

Conditions:
PALB2-related disorder. Also called: PALB2-related disorders; PALB2-related condition.

Submission:

PreventionGenetics, part of Exact Sciences
Classification: Likely pathogenic for PALB2-related condition. Last evaluated: 2024-06-17. Review status: no assertion criteria provided. Collection method: clinical testing. Allele origin: germline.
Comment: The PALB2 c.2053A>T variant is predicted to result in premature protein termination (p.Lys685*). To our knowledge, this variant has not been reported in the literature or in a large population database, indicating this variant is rare. Nonsense variants in PALB2 are expected to be pathogenic. This variant is interpreted as likely pathogenic.